The following is an entry in ClinVar:

NM_023036.6(DNAI2):c.1504C>T (p.Arg502Cys)

Gene: DNAI2 (dynein axonemal intermediate chain 2; plus strand). Cytogenetic location: 17q25.1.
Variant type: single nucleotide variant.
Coding change: c.1504C>T on transcript NM_023036.6 (MANE Select); coding-DNA position 1504, C replaced by T.
Protein change: p.Arg502Cys; replaces arginine 502 with cysteine.
Molecular consequence: missense variant. On other transcripts: non-coding transcript variant (1).
Genome position (GRCh38, 1-based): chr17:74,312,012, C>T. VCF-style: chr17-74312012-C-T. GRCh37 (hg19) VCF-style: chr17-72308151-C-T.
Other names: c.1468C>T, p.Arg490Cys (NM_001172810.3); c.1504C>T, p.Arg502Cys (NM_001353167.2); short protein forms R490C, R502C.
Identifiers: ClinVar variation 2194235 (VCV002194235.1), dbSNP rs374710603, ClinGen allele CA8745816.
Genomic context (GRCh38, chr17:74,312,012, plus strand): 5'-TTGCCATCCTGCCCTCTCCCCACCGGGCTCTCTCTGTCCCTGGGTGCCCAGATGTTTGAG[C>T]GTGAGACCCGGCGAGAGAAGATCCTGGAGGCCAGGCACCGGGAGATGCGGCTGAAGGAGA-3'
Protein context (NP_075462.3, residues 492-512): EKNVASSMFE[Arg502Cys]ETRREKILEA

ClinVar aggregate classification (germline): Uncertain significance (1 of 4 stars; one submission).

Conditions:
Primary ciliary dyskinesia. Also called: Ciliary dyskinesia. Identifiers: Orphanet 244, MedGen C0008780, MONDO:0016575, HP:0012265.

Allele frequency attached by ClinVar (database versions not stated): gnomAD 0.00002; gnomAD exomes 0.00002; ExAC 0.00003; TOPMed 0.00003; ESP Exome Variant Server 0.00008.
gnomAD v4.1: 32 of 1,611,344 alleles (0.002%); highest among the groups gnomAD compares: African/African-American, 0.0053%; no homozygotes.

Submission:

Labcorp Genetics (formerly Invitae), Labcorp
Classification: Uncertain significance for Primary ciliary dyskinesia. Last evaluated: 2022-08-21. Review status: criteria provided, single submitter. Criteria: Invitae Variant Classification Sherloc (09022015). Collection method: clinical testing. Allele origin: germline.
Comment: This sequence change replaces arginine, which is basic and polar, with cysteine, which is neutral and slightly polar, at codon 502 of the DNAI2 protein (p.Arg502Cys). This variant is present in population databases (rs374710603, gnomAD 0.004%). This variant has not been reported in the literature in individuals affected with DNAI2-related conditions. Algorithms developed to predict the effect of missense changes on protein structure and function are either unavailable or do not agree on the potential impact of this missense change (SIFT: "Deleterious"; PolyPhen-2: "Possibly Damaging"; Align-GVGD: "Class C0"). In summary, the available evidence is currently insufficient to determine the role of this variant in disease. Therefore, it has been classified as a Variant of Uncertain Significance.